The following is an entry in ClinVar:

ClinVar aggregate classification (germline): Pathogenic/Likely pathogenic. Review status: criteria provided, multiple submitters, no conflicts (2 of 4 stars). 4 submissions from 4 submitters: Pathogenic (1); Likely pathogenic (3). Last evaluated 2026-09-08.

Conditions:
Fabry disease. Also called: Fabry's disease; CERAMIDE TRIHEXOSIDASE DEFICIENCY; GLA DEFICIENCY; HEREDITARY DYSTOPIC LIPIDOSIS; Angiokeratoma corporis diffusum; ALPHA-GALACTOSIDASE A DEFICIENCY. Identifiers: Orphanet 324, MedGen C0002986, MONDO:0010526, OMIM 301500, HP:0001071. Disease mechanism: Fabry disease is due to inactivating mutations in the X-linked GLA gene resulting in deficiency of the enzyme Alpha Galactosidase-A., loss of function.

Submissions (4):

Genomenon, Inc
Classification: Likely pathogenic for Fabry disease. Last evaluated: 2026-09-08. Review status: criteria provided, single submitter. Criteria: Genomenon Sequence Variant Interpretation Standards - Updated. Collection method: curation. Allele origin: germline. Affected: yes.
Comment: GLA p.Ala37Pro (c.109G>C) is a missense variant that changes the amino acid at codon 37 from Alanine to Proline. This variant has been observed in at least one proband with clinical features consistent with Fabry disease (PMID:35261850;39026481). Functional or patient cell studies have been reported (PMID:35261850). It is absent or not present at a significant frequency in gnomAD. In silico models predict that this variant is possibly or probably damaging. In conclusion, we classify GLA p.Ala37Pro (c.109G>C) as a likely pathogenic variant.

Genome-Nilou Lab
Classification: Likely pathogenic for Fabry disease. Last evaluated: 2021-07-15. Review status: criteria provided, single submitter. Criteria: ACMG Guidelines, 2015. Collection method: clinical testing. Allele origin: germline. Affected: no.

Eurofins Ntd Llc (ga)
Classification: Likely pathogenic. Last evaluated: 2018-07-19. Review status: criteria provided, single submitter. Criteria: EGL ClinVar v180209 classification definitions. Collection method: clinical testing. Allele origin: germline. Observed: 1 variant allele, 1 hemizygote.

Labcorp Genetics (formerly Invitae), Labcorp
Classification: Pathogenic for Fabry disease. Last evaluated: 2018-04-10. Review status: criteria provided, single submitter. Criteria: Invitae Variant Classification Sherloc (09022015). Collection method: clinical testing. Allele origin: germline.
Comment: For these reasons, this variant has been classified as Pathogenic. Other missense substitutions at this codon (p.Ala37Thr and p.Ala37Val) have been reported in individuals affected with Fabry disease (PMID: 17452128, 20300124). Algorithms developed to predict the effect of missense changes on protein structure and function (SIFT, PolyPhen-2, Align-GVGD) all suggest that this variant is likely to be disruptive, but these predictions have not been confirmed by published functional studies and their clinical significance is uncertain. This variant has been observed in individuals affected with Fabry disease (International Fabry Disease Genotype-Phenotype Database:, Invitae). This variant is not present in population databases (ExAC no frequency). This sequence change replaces alanine with proline at codon 37 of the GLA protein (p.Ala37Pro). The alanine residue is highly conserved and there is a small physicochemical difference between alanine and proline.

Literature cited by the submitters: PubMed 35261850 (cited by Genomenon, Inc); PubMed 39026481 (cited by Genomenon, Inc); PubMed 17452128 (cited by Labcorp Genetics (formerly Invitae), Labcorp); PubMed 20300124 (cited by Labcorp Genetics (formerly Invitae), Labcorp).

NM_000169.3(GLA):c.109G>C (p.Ala37Pro)

Genes: GLA (galactosidase alpha; minus strand), RPL36A-HNRNPH2 (RPL36A-HNRNPH2 readthrough; plus strand). Cytogenetic location: Xq22.1.
Variant type: single nucleotide variant.
Coding change: c.109G>C on transcript NM_000169.3 (MANE Select); coding-DNA position 109, G replaced by C.
Protein change: p.Ala37Pro; replaces alanine 37 with proline.
Molecular consequence: missense variant. On other transcripts: non-coding transcript variant (3), intron variant (2).
Genome position (GRCh38, 1-based): chrX:101,407,795, C>G on the plus strand (G>C on the coding strand, the complement: GLA is on the minus strand). VCF-style: chrX-101407795-C-G. GRCh37 (hg19) VCF-style: chrX-100662783-C-G.
Other names: c.109G>C, p.Ala37Pro (NM_001406747.1, NM_001406748.1, NM_001406749.1); c.301-4141C>G (NM_001199973.2); c.178-4141C>G (NM_001199974.2); short protein forms A37P.
Identifiers: ClinVar variation 566083 (VCV000566083.17), dbSNP rs869312226, ClinGen allele CA413937322.
Genomic context (GRCh38, chrX:101,407,795, plus strand): 5'-GGCAGTCAAGGTTGCACATGAAGCGCTCCCAGTGCAGCCAGCCCATGGTAGGCGTCCTTG[C>G]CAATCCATTGTCCAGTGCTCTAGCCCCAGGGATGTCCCAGGAAACGAGGGCCAGGAAGCG-3'
Protein context (NP_000160.1, residues 27-47): PGARALDNGL[Ala37Pro]RTPTMGWLHW